The following is an entry in ClinVar:

NM_000321.3(RB1):c.2489+1G>C

Gene: RB1 (RB transcriptional corepressor 1; plus strand). Cytogenetic location: 13q14.2.
Variant type: single nucleotide variant.
Coding change: c.2489+1G>C on transcript NM_000321.3 (MANE Select); the canonical splice donor site of the intron after coding-DNA position 2489, G replaced by C.
Molecular consequence: splice donor variant.
Genome position (GRCh38, 1-based): chr13:48,465,369, G>C. VCF-style: chr13-48465369-G-C. GRCh37 (hg19) VCF-style: chr13-49039505-G-C.
Other names: NC_000013.10:g.49039505G>C; c.2489+1G>C (NM_001407165.1).
Identifiers: ClinVar variation 287433 (VCV000287433.15), dbSNP rs764754259, ClinGen allele CA10605763.

ClinVar aggregate classification (germline): Pathogenic. Review status: criteria provided, multiple submitters, no conflicts (2 of 4 stars). 3 submissions from 3 submitters: Pathogenic (3). Last evaluated 2024-05-20.

Conditions:
Hereditary cancer-predisposing syndrome. Also called: Tumor predisposition; Hereditary Cancer Syndrome; Hereditary neoplastic syndrome; Neoplastic Syndromes, Hereditary. Identifiers: Orphanet 140162, MedGen C0027672, MeSH D009386, MONDO:0015356.
Retinoblastoma (RB1). Also called: RETINOBLASTOMA, SOMATIC. Identifiers: Orphanet 790, MedGen C0035335, MeSH D012175, MONDO:0008380, OMIM 180200, HP:0009919. Disease mechanism: loss of function. Inheritance: Both sporadic and heritable forms are tested..

Submissions (5):

Genetic Diagnostic Laboratory, University of Pennsylvania School of Medicine
Classification: Pathogenic for Retinoblastoma. Last evaluated: 2024-05-20. Review status: criteria provided, single submitter. Criteria: ACMG Guidelines, 2015. Collection method: clinical testing. Allele origin: germline. Affected: yes. Observed: 2 variant alleles.
Comment: Case and Pedigree Information: BILATERAL CASES:2, UNILATERAL CASES:0, TOTAL CASES:2, PEDIGREES:2. ACMG Codes Applied:PVS1, PM2

Ambry Genetics
Classification: Pathogenic for Hereditary cancer-predisposing syndrome. Last evaluated: 2016-11-14. Review status: criteria provided, single submitter. Criteria: Ambry Variant Classification Scheme 2023. Collection method: clinical testing. Allele origin: germline.
Comment: The c.2489+1G>C intronic pathogenic mutation results from a G to C substitution one nucleotide after coding exon 23 of the RB1 gene. This pathogenic mutation has been reported in multiple unrelated individuals diagnosed with retinoblastoma (Richter S et al. Am. J. Hum. Genet. 2003 Feb;72:253-69; Tsai T et al. Arch. Ophthalmol. 2004 Feb;122:239-48; Abouzeid H et al. Mol. Vis. 2007 Sep;13:1740-5). Of note, this alteration has been referred to as g.162368G>C and 2627+1G>C in some literature. In addition to the clinical data presented in the literature, alterations that disrupt the canonical splice site are expected to cause aberrant splicing, resulting in an abnormal protein or a transcript that is subject to nonsense-mediated mRNA decay. As such, this alteration is classified as a disease-causing mutation.

Eurofins Ntd Llc (ga)
Classification: Pathogenic. Last evaluated: 2016-04-20. Review status: criteria provided, single submitter. Criteria: EGL Classification Definitions 2015. Collection method: clinical testing. Allele origin: germline. Observed: 1 variant allele, 1 heterozygote.

Dr. Peter K. Rogan Lab, Western University
No classification provided (evidence only). Condition: Squamous cell lung carcinoma. Review status: no classification provided. Collection method: in vitro. Allele origin: not applicable. Functional consequence: retained intron. Not counted in ClinVar's aggregate classification.

MutSpliceDB: a database of splice sites variants effects on splicing, NIH
No classification provided (evidence only). Review status: no classification provided. Collection method: in vivo. Allele origin: not applicable. Functional consequence: retained intron. Not counted in ClinVar's aggregate classification.

Literature cited by the submitters: PubMed 12541220 (cited by Ambry Genetics); PubMed 14769601 (cited by Ambry Genetics); PubMed 17960112 (cited by Ambry Genetics).